The following is an entry in ClinVar:

NM_001130144.3(LTBP3):c.708C>A (p.Pro236=)

Gene: LTBP3 (latent transforming growth factor beta binding protein 3; minus strand). Cytogenetic location: 11q13.1.
Variant type: single nucleotide variant.
Coding change: c.708C>A on transcript NM_001130144.3 (MANE Select); coding-DNA position 708, C replaced by A.
Protein change: p.Pro236=; no amino-acid change (proline 236 retained).
Molecular consequence: synonymous variant.
Genome position (GRCh38, 1-based): chr11:65,553,857, G>T on the plus strand (C>A on the coding strand, the complement: LTBP3 is on the minus strand). VCF-style: chr11-65553857-G-T. GRCh37 (hg19) VCF-style: chr11-65321328-G-T.
Other names: c.357C>A, p.Pro119= (NM_001164266.1); c.708C>A, p.Pro236= (NM_021070.4); c.708C>A (NM_001130144.2).
Identifiers: ClinVar variation 1599076 (VCV001599076.12), dbSNP rs373043487, ClinGen allele CA6101170.
Genomic context (GRCh38, chr11:65,553,857, plus strand): 5'-GGAGGGGGCTGCGCTCTCGGCGTTCGAGCTCTCAATGCGGTGCACCTGGACTGAGGCCTC[G>T]GGCGGGTGATGGACGCGCACATTCACCACGGGGGGCGGGGCCTGCACTGGGGGCGGGCGC-3'
Protein context (NP_001123616.1, residues 226-246): PVVNVRVHHP[Pro236=]EASVQVHRIE

ClinVar aggregate classification (germline): Benign. Review status: criteria provided, single submitter (1 of 4 stars). 2 submissions from 2 submitters: Benign (1). 1 of the submissions does not count toward it. Last evaluated 2026-01-27.

Conditions:
Brachyolmia-amelogenesis imperfecta syndrome. Also called: PLATYSPONDYLY WITH AMELOGENESIS IMPERFECTA; Tooth agenesis, selective, 6; Dental anomalies and short stature. Identifiers: Orphanet 2899, MedGen C1832594, MONDO:0011018, OMIM 601216. Disease mechanism: loss of function.
LTBP3-related disorder. Also called: LTBP3-related condition.

Allele frequency attached by ClinVar (database versions not stated): 1000 Genomes Project 0.00020; 1000 Genomes Project 30x 0.00031; ESP Exome Variant Server 0.00056; gnomAD 0.00080.
gnomAD v4.1: 953 of 1,560,010 alleles (0.061%); highest among the groups gnomAD compares: Non-Finnish European, 0.063%; 3 homozygotes.

Submissions (2):

Labcorp Genetics (formerly Invitae), Labcorp
Classification: Benign for Brachyolmia-amelogenesis imperfecta syndrome. Last evaluated: 2026-01-27. Review status: criteria provided, single submitter. Criteria: Invitae Variant Classification Sherloc (09022015). Collection method: clinical testing. Allele origin: germline.

PreventionGenetics, part of Exact Sciences
Classification: Likely benign for LTBP3-related condition. Last evaluated: 2020-11-10. Review status: no assertion criteria provided. Collection method: clinical testing. Allele origin: germline. Not counted in ClinVar's aggregate classification.
Comment: This variant is classified as likely benign based on ACMG/AMP sequence variant interpretation guidelines (Richards et al. 2015 PMID: 25741868, with internal and published modifications).